The following is an entry in ClinVar:

ClinVar aggregate classification (germline): Uncertain significance (1 of 4 stars; one submission).

Conditions:
Arrhythmogenic right ventricular dysplasia 13. Also called: ARRHYTHMOGENIC RIGHT VENTRICULAR CARDIOMYOPATHY 13; Arrhythmogenic right ventricular dysplasia, familial, 13. Identifiers: MedGen C3810138, MONDO:0000908, OMIM 615616.

gnomAD v4.1: 1 of 1,612,682 alleles (0.000062%); highest among the groups gnomAD compares: East Asian, 0.0022%; no homozygotes.

Submission:

Labcorp Genetics (formerly Invitae), Labcorp
Classification: Uncertain significance for Arrhythmogenic right ventricular dysplasia 13. Last evaluated: 2025-09-29. Review status: criteria provided, single submitter. Criteria: Invitae Variant Classification Sherloc (09022015). Collection method: clinical testing. Allele origin: germline.
Comment: This sequence change replaces aspartic acid, which is acidic and polar, with histidine, which is basic and polar, at codon 169 of the CTNNA3 protein (p.Asp169His). This variant is not present in population databases (gnomAD no frequency). This variant has not been reported in the literature in individuals affected with CTNNA3-related conditions. Invitae Evidence Modeling of protein sequence and biophysical properties (such as structural, functional, and spatial information, amino acid conservation, physicochemical variation, residue mobility, and thermodynamic stability) has been performed for this missense variant. However, the output from this modeling did not meet the statistical confidence thresholds required to predict the impact of this variant on CTNNA3 protein function. In summary, the available evidence is currently insufficient to determine the role of this variant in disease. Therefore, it has been classified as a Variant of Uncertain Significance.

NM_013266.4(CTNNA3):c.505G>C (p.Asp169His)

Gene: CTNNA3 (catenin alpha 3; minus strand). Cytogenetic location: 10q21.3.
Variant type: single nucleotide variant.
Coding change: c.505G>C on transcript NM_013266.4 (MANE Select); coding-DNA position 505, G replaced by C.
Protein change: p.Asp169His; replaces aspartic acid 169 with histidine.
Molecular consequence: missense variant.
Genome position (GRCh38, 1-based): chr10:67,521,916, C>G on the plus strand (G>C on the coding strand, the complement: CTNNA3 is on the minus strand). VCF-style: chr10-67521916-C-G. GRCh37 (hg19) VCF-style: chr10-69281674-C-G.
Other names: c.505G>C, p.Asp169His (NM_001127384.3); c.541G>C, p.Asp181His (NM_001291133.2); short protein forms D169H, D181H.
Identifiers: ClinVar variation 4707940 (VCV004707940.1).